The following is an entry in ClinVar:

ClinVar aggregate classification (germline): Uncertain significance (1 of 4 stars; one submission).

Submission:

GeneDx
Classification: Uncertain significance. Last evaluated: 2025-07-07. Review status: criteria provided, single submitter. Criteria: GeneDx Variant Classification Process June 2021. Collection method: clinical testing. Allele origin: germline.
Comment: In silico analysis is inconclusive as to whether the variant alters gene splicing. In the absence of RNA/functional studies, the actual effect of this sequence change is unknown; Has not been previously published as pathogenic or benign to our knowledge; Not observed at significant frequency in large population cohorts (gnomAD)

NM_001020658.2(PUM1):c.1646-4del

Gene: PUM1 (pumilio RNA binding family member 1; minus strand). Cytogenetic location: 1p35.2.
Variant type: Deletion.
Coding change: c.1646-4del on transcript NM_001020658.2 (MANE Select); 4 bases into the intron before coding-DNA position 1646, one base deleted (C; older notation c.1646-4delC).
Molecular consequence: intron variant.
Genome position (GRCh38, 1-based): chr1:30,967,314, G deleted on the plus strand (C on the coding strand, the reverse complement: PUM1 is on the minus strand); the first of 2 consecutive G bases (chr1:30,967,314-30,967,315); deleting either gives the same sequence. VCF-style (leftmost placement, unchanged base first): chr1-30967313-AG-A. GRCh37 (hg19) VCF-style: chr1-31440160-AG-A.
Other names: c.1646-4del (NM_014676.3).
Identifiers: ClinVar variation 2661933 (VCV002661933.2), dbSNP rs2521579294, ClinGen allele CA2695197994.
Genomic context (GRCh38, chr1:30,967,313, plus strand): 5'-TTCACTACAAGGGCACCAGTTTGGTCATAGTAAGCAGCAGGAGCCAACACCGGATAACCT[AG>A]GAATATCAAGCCAACAAAGAAATGTATATGTTAAACAAACAAGTATCTCCTGGGCACCAA-3'